The following is an entry in ClinVar:

ClinVar aggregate classification (germline): Pathogenic. Review status: criteria provided, multiple submitters, no conflicts (2 of 4 stars). 4 submissions from 4 submitters: Pathogenic (4). Last evaluated 2025-04-09.

Conditions:
Deficiency of steroid 17-alpha-monooxygenase. Also called: 17-alpha-hydroxylase/17,20-lyase deficiency; 17-ALPHA-HYDROXYLASE DEFICIENCY; Congenital adrenal hyperplasia due to 17-alpha-hydroxylase deficiency; Congenital adrenal hyperplasia type 5; ADRENAL HYPERPLASIA V. Identifiers: Orphanet 90793, MedGen C0268285, MONDO:0008730, OMIM 202110.

Allele frequency attached by ClinVar (database versions not stated): gnomAD exomes below 0.00001; TOPMed 0.00001.
gnomAD v4.1: 2 of 1,611,570 alleles (0.00012%); highest among the groups gnomAD compares: Admixed American, 0.0033%; no homozygotes.

Submissions (4):

Natera, Inc.
Classification: Pathogenic for Deficiency of steroid 17-alpha-monooxygenase. Last evaluated: 2025-04-09. Review status: criteria provided, single submitter. Criteria: Natera Variant Classification Schema (03/2026). Collection method: clinical testing. Allele origin: germline.
Comment: The c.362G>A variant in CYP17A1 is a nonsense variant predicted to introduce a stop codon at amino acid 121. This variant is expected to result in nonsense mediated decay, truncation, or a dysfunctional protein product. This variant is rare in the general population with a frequency below the threshold expected for the associated phenotype(s). This variant has been observed in one or more individuals affected with the associated recessive disease, as either homozygous or compound heterozygous with a second variant (PMID: 21822006). Given the available evidence, this variant is classified as Pathogenic.

Labcorp Genetics (formerly Invitae), Labcorp
Classification: Pathogenic. Last evaluated: 2025-03-11. Review status: criteria provided, single submitter. Criteria: Invitae Variant Classification Sherloc (09022015). Collection method: clinical testing. Allele origin: germline.
Comment: This sequence change creates a premature translational stop signal (p.Trp121*) in the CYP17A1 gene. It is expected to result in an absent or disrupted protein product. Loss-of-function variants in CYP17A1 are known to be pathogenic (PMID: 10720067, 14747197, 17192295, 20197673, 24140098). This variant is present in population databases (no rsID available, gnomAD 0.003%). This premature translational stop signal has been observed in individual(s) with clinical features of CYP17A1-related conditions (PMID: 21822006). ClinVar contains an entry for this variant (Variation ID: 2136931). For these reasons, this variant has been classified as Pathogenic.

GeneDx
Classification: Pathogenic. Last evaluated: 2023-07-24. Review status: criteria provided, single submitter. Criteria: GeneDx Variant Classification Process June 2021. Collection method: clinical testing. Allele origin: germline. Affected: yes.
Comment: Nonsense variant predicted to result in protein truncation or nonsense mediated decay in a gene for which loss of function is a known mechanism of disease; This variant is associated with the following publications: (PMID: 21822006)

Baylor Genetics
Classification: Pathogenic for Deficiency of steroid 17-alpha-monooxygenase. Last evaluated: 2022-03-10. Review status: criteria provided, single submitter. Criteria: ACMG Guidelines, 2015. Collection method: clinical testing. Allele origin: unknown.

Literature cited by the submitters: PubMed 21822006 (cited by Natera, Inc. and Labcorp Genetics (formerly Invitae), Labcorp); PubMed 10720067 (cited by Labcorp Genetics (formerly Invitae), Labcorp); PubMed 14747197 (cited by Labcorp Genetics (formerly Invitae), Labcorp); PubMed 17192295 (cited by Labcorp Genetics (formerly Invitae), Labcorp); PubMed 20197673 (cited by Labcorp Genetics (formerly Invitae), Labcorp); PubMed 24140098 (cited by Labcorp Genetics (formerly Invitae), Labcorp).

NM_000102.4(CYP17A1):c.362G>A (p.Trp121Ter)

Gene: CYP17A1 (cytochrome P450 family 17 subfamily A member 1; minus strand). Cytogenetic location: 10q24.32.
Variant type: single nucleotide variant.
Coding change: c.362G>A on transcript NM_000102.4 (MANE Select); coding-DNA position 362, G replaced by A.
Protein change: p.Trp121Ter; replaces tryptophan 121 with a stop codon.
Molecular consequence: nonsense.
Genome position (GRCh38, 1-based): chr10:102,835,328, C>T on the plus strand (G>A on the coding strand, the complement: CYP17A1 is on the minus strand). VCF-style: chr10-102835328-C-T. GRCh37 (hg19) VCF-style: chr10-104595085-C-T.
Other names: short protein forms W121*.
Identifiers: ClinVar variation 2136931 (VCV002136931.7), dbSNP rs942376359, ClinGen allele CA212294483.